The following is an entry in ClinVar:

ClinVar aggregate classification (germline): Likely pathogenic (1 of 4 stars; one submission).

Conditions:
Citrullinemia. Identifiers: Orphanet 187, MedGen C0175683, MONDO:0015991.

Submission:

Natera, Inc.
Classification: Likely pathogenic for Citrullinemia. Last evaluated: 2024-04-30. Review status: criteria provided, single submitter. Criteria: Natera Variant Classification Schema (03/2026). Collection method: clinical testing. Allele origin: germline.
Comment: The c.1102G>T variant in SLC25A13 is a nonsense variant predicted to introduce a stop codon at amino acid 368. This variant is expected to result in nonsense mediated decay, truncation, or a dysfunctional protein product. This variant is rare in the general population with a frequency below the threshold expected for the associated phenotype(s). Given the available evidence, this variant is classified as Likely Pathogenic.

NM_014251.3(SLC25A13):c.1102G>T (p.Glu368Ter)

Gene: SLC25A13 (solute carrier family 25 member 13; minus strand). Cytogenetic location: 7q21.3.
Variant type: single nucleotide variant.
Coding change: c.1102G>T on transcript NM_014251.3 (MANE Select); coding-DNA position 1102, G replaced by T.
Protein change: p.Glu368Ter; replaces glutamic acid 368 with a stop codon.
Molecular consequence: nonsense. On other transcripts: non-coding transcript variant (1).
Genome position (GRCh38, 1-based): chr7:96,184,352, C>A on the plus strand (G>T on the coding strand, the complement: SLC25A13 is on the minus strand). VCF-style: chr7-96184352-C-A. GRCh37 (hg19) VCF-style: chr7-95813664-C-A.
Other names: c.1105G>T, p.Glu369Ter (NM_001160210.2); short protein forms E368*, E369*.
Identifiers: ClinVar variation 4815626 (VCV004815626.1).
Genomic context (GRCh38, chr7:96,184,352, plus strand): 5'-AGAAGCCTTCATAGCGTAGCACTTTCTTAAAACAGTCAAAGCTGTTTTTATACATGAGTT[C>A]TCCCACAAAAGAGCCAGTTGATCGTTGGTTCTGCATTCGAGTTTTTACAAGATCGATAGG-3'